The following is an entry in ClinVar:

NM_003628.6(PKP4):c.838G>A (p.Ala280Thr)

Gene: PKP4 (plakophilin 4; plus strand). Cytogenetic location: 2q24.1.
Variant type: single nucleotide variant.
Coding change: c.838G>A on transcript NM_003628.6 (MANE Select); coding-DNA position 838, G replaced by A.
Protein change: p.Ala280Thr; replaces alanine 280 with threonine.
Molecular consequence: missense variant. On other transcripts: 5 prime UTR variant (1).
Genome position (GRCh38, 1-based): chr2:158,625,112, G>A. VCF-style: chr2-158625112-G-A. GRCh37 (hg19) VCF-style: chr2-159481624-G-A.
Other names: c.838G>A, p.Ala280Thr (NM_001005476.4, NM_001304969.3, NM_001304971.2 and 6 more transcripts); c.-189G>A (NM_001304970.3); c.832G>A, p.Ala278Thr (NM_001377222.1, NM_001377223.1, NM_001377224.1); short protein forms A278T, A280T.
Identifiers: ClinVar variation 1763185 (VCV001763185.3), dbSNP rs138802591, ClinGen allele CA1920535.

ClinVar aggregate classification (germline): Uncertain significance (1 of 4 stars; one submission).

Allele frequency attached by ClinVar (database versions not stated): 1000 Genomes Project 0.00040; TOPMed 0.00014; ESP Exome Variant Server 0.00015; 1000 Genomes Project 30x 0.00031; ExAC 0.00019; gnomAD 0.00016; gnomAD exomes 0.00016.
gnomAD v4.1: 250 of 1,614,028 alleles (0.015%); highest among the groups gnomAD compares: Admixed American, 0.027%; no homozygotes.

Submission:

Ambry Genetics
Classification: Uncertain significance. Last evaluated: 2025-10-25. Review status: criteria provided, single submitter. Criteria: Ambry Variant Classification Scheme 2023. Collection method: clinical testing. Allele origin: germline.
Comment: The p.A280T variant (also known as c.838G>A), located in coding exon 6 of the PKP4 gene, results from a G to A substitution at nucleotide position 838. The alanine at codon 280 is replaced by threonine, an amino acid with similar properties. This amino acid position is conserved. In addition, this alteration is predicted to be tolerated by in silico analysis. Since supporting evidence is limited at this time, the clinical significance of this alteration remains unclear.